The following is an entry in ClinVar:

ClinVar aggregate classification (germline): Uncertain significance. Review status: criteria provided, multiple submitters, no conflicts (2 of 4 stars). 2 submissions from 2 submitters: Uncertain significance (2). Last evaluated 2025-10-14.

Conditions:
Hereditary cancer-predisposing syndrome. Also called: Tumor predisposition; Neoplastic Syndromes, Hereditary; Hereditary Cancer Syndrome; Hereditary neoplastic syndrome. Identifiers: Orphanet 140162, MedGen C0027672, MeSH D009386, MONDO:0015356.
Ataxia-telangiectasia syndrome (AT). Also called: ATAXIA-TELANGIECTASIA, COMPLEMENTATION GROUP A; ATAXIA-TELANGIECTASIA, FRESNO VARIANT; Ataxia-telangiectasia; Ataxia-telangiectasia, complementation group D; AT, COMPLEMENTATION GROUP C; Ataxia-telangiectasia, complementation group E. Identifiers: Orphanet 100, MedGen C0004135, MONDO:0008840, OMIM 208900.

Allele frequency attached by ClinVar (database versions not stated): gnomAD exomes below 0.00001.
gnomAD v4.1: 1 of 1,614,166 alleles (0.000062%); highest among the groups gnomAD compares: Non-Finnish European, 0.000085%; no homozygotes.

Submissions (2):

Labcorp Genetics (formerly Invitae), Labcorp
Classification: Uncertain significance for Ataxia-telangiectasia syndrome. Last evaluated: 2025-10-14. Review status: criteria provided, single submitter. Criteria: Invitae Variant Classification Sherloc (09022015). Collection method: clinical testing. Allele origin: germline.
Comment: This sequence change replaces serine, which is neutral and polar, with proline, which is neutral and non-polar, at codon 2289 of the ATM protein (p.Ser2289Pro). This variant is not present in population databases (gnomAD no frequency). This variant has not been reported in the literature in individuals affected with ATM-related conditions. ClinVar contains an entry for this variant (Variation ID: 848073). Invitae Evidence Modeling of protein sequence and biophysical properties (such as structural, functional, and spatial information, amino acid conservation, physicochemical variation, residue mobility, and thermodynamic stability) indicates that this missense variant is not expected to disrupt ATM protein function with a negative predictive value of 95%. In summary, the available evidence is currently insufficient to determine the role of this variant in disease. Therefore, it has been classified as a Variant of Uncertain Significance.

Ambry Genetics
Classification: Uncertain significance for Hereditary cancer-predisposing syndrome. Last evaluated: 2022-08-31. Review status: criteria provided, single submitter. Criteria: Ambry Variant Classification Scheme 2023. Collection method: clinical testing. Allele origin: germline.
Comment: The p.S2289P variant (also known as c.6865T>C), located in coding exon 46 of the ATM gene, results from a T to C substitution at nucleotide position 6865. The serine at codon 2289 is replaced by proline, an amino acid with similar properties. This amino acid position is conserved. In addition, the in silico prediction for this alteration is inconclusive. Since supporting evidence is limited at this time, the clinical significance of this alteration remains unclear.

NM_000051.4(ATM):c.6865T>C (p.Ser2289Pro)

Genes: ATM (ATM serine/threonine kinase; plus strand), C11orf65 (chromosome 11 open reading frame 65; minus strand). Cytogenetic location: 11q22.3.
Variant type: single nucleotide variant.
Coding change: c.6865T>C on transcript NM_000051.4 (MANE Select); coding-DNA position 6865, T replaced by C.
Protein change: p.Ser2289Pro; replaces serine 2289 with proline.
Molecular consequence: missense variant. On other transcripts: intron variant (2).
Genome position (GRCh38, 1-based): chr11:108,326,115, T>C. VCF-style: chr11-108326115-T-C. GRCh37 (hg19) VCF-style: chr11-108196842-T-C.
Other names: c.6865T>C, p.Ser2289Pro (NM_001351834.2); c.641-17044A>G (NM_001330368.2); c.*38+9105A>G (NM_001351110.2); short protein forms S2289P.
Identifiers: ClinVar variation 848073 (VCV000848073.50), dbSNP rs2085653356, ClinGen allele CA382556745.